The following is an entry in ClinVar:

ClinVar aggregate classification (germline): Benign. Review status: criteria provided, multiple submitters, no conflicts (2 of 4 stars). 2 submissions from 2 submitters: Benign (2). Last evaluated 2018-06-19.

Allele frequency attached by ClinVar (database versions not stated): gnomAD exomes 0.00298; 1000 Genomes Project 0.02781; gnomAD 0.02809 and 0.03005; 1000 Genomes Project 30x 0.03122; TOPMed 0.03332.
gnomAD v4.1: 5,820 of 976,979 alleles (0.6%); highest among the groups gnomAD compares: African/African-American, 9.9%; 192 homozygotes.

Submissions (2):

GeneDx
Classification: Benign. Last evaluated: 2018-06-19. Review status: criteria provided, single submitter. Criteria: GeneDx Variant Classification (06012015). Collection method: clinical testing. Allele origin: germline. Affected: yes.
Comment: This variant is considered likely benign or benign based on one or more of the following criteria: it is a conservative change, it occurs at a poorly conserved position in the protein, it is predicted to be benign by multiple in silico algorithms, and/or has population frequency not consistent with disease.

Breakthrough Genomics
Classification: Benign. Review status: criteria provided, single submitter. Criteria: ACMG Guidelines, 2015. Collection method: not provided. Allele origin: germline. Inheritance: X-linked inheritance. Affected: yes.

NM_005765.3(ATP6AP2):c.858+83A>T

Gene: ATP6AP2 (ATPase H+ transporting accessory protein 2; plus strand). Cytogenetic location: Xp11.4.
Variant type: single nucleotide variant.
Coding change: c.858+83A>T on transcript NM_005765.3 (MANE Select); 83 bases into the intron after coding-DNA position 858, A replaced by T.
Molecular consequence: intron variant.
Genome position (GRCh38, 1-based): chrX:40,600,964, A>T. VCF-style: chrX-40600964-A-T. GRCh37 (hg19) VCF-style: chrX-40460216-A-T.
Identifiers: ClinVar variation 670847 (VCV000670847.2), dbSNP rs114591549, ClinGen allele CA328989720.
Genomic context (GRCh38, chrX:40,600,964, plus strand): 5'-CTTTAAAACTGTAAAATTAACTTCTTATAAAAAAAAAAAAACCAAGTCCTATATCACCTA[A>T]GGGTGACATGAATGAGCAGTCAGTAAATCTGAAAAACAATTTCAGTTAAAACGTAAGCTT-3'